The following is an entry in ClinVar:

NM_000215.4(JAK3):c.-26C>T

Gene: JAK3 (Janus kinase 3; minus strand). Cytogenetic location: 19p13.11.
Variant type: single nucleotide variant.
Coding change: c.-26C>T on transcript NM_000215.4 (MANE Select); 26 bases upstream of the start codon, C replaced by T.
Molecular consequence: 5 prime UTR variant.
Genome position (GRCh38, 1-based): chr19:17,847,958, G>A on the plus strand (C>T on the coding strand, the complement: JAK3 is on the minus strand). VCF-style: chr19-17847958-G-A. GRCh37 (hg19) VCF-style: chr19-17958767-G-A.
Identifiers: ClinVar variation 668930 (VCV000668930.5), dbSNP rs199713123, ClinGen allele CA306148499.

ClinVar aggregate classification (germline): Likely benign. Review status: criteria provided, multiple submitters, no conflicts (2 of 4 stars). 2 submissions from 2 submitters: Likely benign (2). Last evaluated 2018-03-19.

Conditions:
T-B+ severe combined immunodeficiency due to JAK3 deficiency. Also called: SCID, T CELL-NEGATIVE, B CELL-POSITIVE, NK CELL-NEGATIVE; SCID, autosomal recessive, T-negative/B-positive type. Identifiers: Orphanet 35078, MedGen C1833275, MONDO:0010938, OMIM 600802.

Allele frequency attached by ClinVar (database versions not stated): gnomAD exomes 0.00039; gnomAD 0.00388 and 0.00411; TOPMed 0.00437; 1000 Genomes Project 0.00439; 1000 Genomes Project 30x 0.00468.
gnomAD v4.1: 955 of 1,036,658 alleles (0.092%); highest among the groups gnomAD compares: African/African-American, 1.3%; 3 homozygotes.

Submissions (2):

GeneDx
Classification: Likely benign. Last evaluated: 2018-03-19. Review status: criteria provided, single submitter. Criteria: GeneDx Variant Classification (06012015). Collection method: clinical testing. Allele origin: germline. Affected: yes.
Comment: This variant is considered likely benign or benign based on one or more of the following criteria: it is a conservative change, it occurs at a poorly conserved position in the protein, it is predicted to be benign by multiple in silico algorithms, and/or has population frequency not consistent with disease.

Illumina Laboratory Services, Illumina
Classification: Likely benign for T-B+ severe combined immunodeficiency due to JAK3 deficiency. Last evaluated: 2018-01-12. Review status: criteria provided, single submitter. Criteria: ICSL Variant Classification Criteria 13 December 2019. Collection method: clinical testing. Allele origin: germline.
Comment: This variant was observed in the ICSL laboratory as part of a predisposition screen in an ostensibly healthy population. It had not been previously curated by ICSL or reported in the Human Gene Mutation Database (HGMD: prior to June 1st, 2018), and was therefore a candidate for classification through an automated scoring system. Utilizing variant allele frequency, disease prevalence and penetrance estimates, and inheritance mode, an automated score was calculated to assess if this variant is too frequent to cause the disease. Based on the score and internal cut-off values, a variant classified as likely benign is not then subjected to further curation. The score for this variant resulted in a classification of likely benign for this disease.